The following is an entry in ClinVar:

NM_018993.4(RIN2):c.700G>A (p.Gly234Ser)

Gene: RIN2 (Ras and Rab interactor 2; plus strand). Cytogenetic location: 20p11.23.
Variant type: single nucleotide variant.
Coding change: c.700G>A on transcript NM_018993.4 (MANE Select); coding-DNA position 700, G replaced by A.
Protein change: p.Gly234Ser; replaces glycine 234 with serine.
Molecular consequence: missense variant.
Genome position (GRCh38, 1-based): chr20:19,974,725, G>A. VCF-style: chr20-19974725-G-A. GRCh37 (hg19) VCF-style: chr20-19955369-G-A.
Other names: c.847G>A, p.Gly283Ser (NM_001242581.2); c.82G>A, p.Gly28Ser (NM_001378238.1); short protein forms G234S, G283S, G28S.
Identifiers: ClinVar variation 3375612 (VCV003375612.1).

ClinVar aggregate classification (germline): Uncertain significance (1 of 4 stars; one submission).

gnomAD v4.1: 7 of 1,613,928 alleles (0.00043%); highest among the groups gnomAD compares: East Asian, 0.0022%; no homozygotes.

Submission:

GeneDx
Classification: Uncertain significance. Last evaluated: 2024-05-09. Review status: criteria provided, single submitter. Criteria: GeneDx Variant Classification Process June 2021. Collection method: clinical testing. Allele origin: germline. Affected: yes.
Comment: Not observed at significant frequency in large population cohorts (gnomAD); In silico analysis indicates that this missense variant does not alter protein structure/function; Has not been previously published as pathogenic or benign to our knowledge